The following is an entry in ClinVar:

NM_000020.3(ACVRL1):c.265T>G (p.Cys89Gly)

Gene: ACVRL1 (activin A receptor like type 1; plus strand). Cytogenetic location: 12q13.13.
Variant type: single nucleotide variant.
Coding change: c.265T>G on transcript NM_000020.3 (MANE Select); coding-DNA position 265, T replaced by G.
Protein change: p.Cys89Gly; replaces cysteine 89 with glycine.
Molecular consequence: missense variant.
Genome position (GRCh38, 1-based): chr12:51,913,302, T>G. VCF-style: chr12-51913302-T-G. GRCh37 (hg19) VCF-style: chr12-52307086-T-G.
Other names: c.265T>G, p.Cys89Gly (NM_001077401.2); short protein forms C89G.
Identifiers: ClinVar variation 533352 (VCV000533352.8), dbSNP rs1555152520, ClinGen allele CA384898032.

ClinVar aggregate classification (germline): Likely pathogenic (1 of 4 stars; one submission).

Conditions:
Telangiectasia, hereditary hemorrhagic, type 2 (HHT2). Also called: ACVRL1-Related Hereditary Hemorrhagic Telangiectasia; Telangiectasia, hereditary hemorrhagic, type II. Identifiers: Orphanet 774, MedGen C1838163, MONDO:0010880, OMIM 600376. Disease mechanism: loss of function.

Submission:

Labcorp Genetics (formerly Invitae), Labcorp
Classification: Likely pathogenic for Telangiectasia, hereditary hemorrhagic, type 2. Last evaluated: 2021-05-06. Review status: criteria provided, single submitter. Criteria: Invitae Variant Classification Sherloc (09022015). Collection method: clinical testing. Allele origin: germline.
Comment: This sequence change replaces cysteine with glycine at codon 89 of the ACVRL1 protein (p.Cys89Gly). The cysteine residue is highly conserved and there is a large physicochemical difference between cysteine and glycine. This variant is not present in population databases (ExAC no frequency). This variant has been observed in individual(s) with clinical features of hereditary hemorrhagic telangiectasia (Invitae). Algorithms developed to predict the effect of missense changes on protein structure and function (SIFT, PolyPhen-2, Align-GVGD) all suggest that this variant is likely to be disruptive, but these predictions have not been confirmed by published functional studies and their clinical significance is uncertain. This variant affects a cysteine residue located within the ACVRL1 protein ectodomain. Cysteine residues in this domain of ACVRL1 are involved in the formation of disulfide bridges critical for protein structure and stability (PMID: 22028876, 22718755, 22799562). In addition, missense substitutions within the ACVRL1 ectodomain affecting cysteine residues are overrepresented in patients with HHT (PMID: 20501893, 26176610 and an online resource). This variant disrupts the p.Cys89 amino acid residue in ACVRL1. Other variant(s) that disrupt this residue have been observed in individuals with ACVRL1-related conditions (Invitae), which suggests that this may be a clinically significant amino acid residue. In summary, the currently available evidence indicates that the variant is pathogenic, but additional data are needed to prove that conclusively. Therefore, this variant has been classified as Likely Pathogenic.

Literature cited by the submitters: PubMed 22028876; PubMed 22718755; PubMed 22799562; PubMed 20501893; PubMed 26176610.